The following is an entry in ClinVar:

NM_206933.4(USH2A):c.11185A>C (p.Ser3729Arg)

Gene: USH2A (usherin; minus strand). Cytogenetic location: 1q41.
Variant type: single nucleotide variant.
Coding change: c.11185A>C on transcript NM_206933.4 (MANE Select); coding-DNA position 11185, A replaced by C.
Protein change: p.Ser3729Arg; replaces serine 3729 with arginine.
Molecular consequence: missense variant.
Genome position (GRCh38, 1-based): chr1:215,759,706, T>G on the plus strand (A>C on the coding strand, the complement: USH2A is on the minus strand). VCF-style: chr1-215759706-T-G. GRCh37 (hg19) VCF-style: chr1-215933048-T-G.
Other names: short protein forms S3729R.
Identifiers: ClinVar variation 2829961 (VCV002829961.3), dbSNP rs2465090822, ClinGen allele CA344822638.

ClinVar aggregate classification (germline): Uncertain significance (1 of 4 stars; one submission).

Submission:

Labcorp Genetics (formerly Invitae), Labcorp
Classification: Uncertain significance. Last evaluated: 2024-12-08. Review status: criteria provided, single submitter. Criteria: Invitae Variant Classification Sherloc (09022015). Collection method: clinical testing. Allele origin: germline.
Comment: This sequence change replaces serine, which is neutral and polar, with arginine, which is basic and polar, at codon 3729 of the USH2A protein (p.Ser3729Arg). This variant is not present in population databases (gnomAD no frequency). This variant has not been reported in the literature in individuals affected with USH2A-related conditions. ClinVar contains an entry for this variant (Variation ID: 2829961). Invitae Evidence Modeling of protein sequence and biophysical properties (such as structural, functional, and spatial information, amino acid conservation, physicochemical variation, residue mobility, and thermodynamic stability) indicates that this missense variant is not expected to disrupt USH2A protein function with a negative predictive value of 95%. In summary, the available evidence is currently insufficient to determine the role of this variant in disease. Therefore, it has been classified as a Variant of Uncertain Significance.